The following is an entry in ClinVar:

ClinVar aggregate classification (germline): Uncertain significance. Review status: criteria provided, multiple submitters, no conflicts (2 of 4 stars). 2 submissions from 2 submitters: Uncertain significance (2). Last evaluated 2022-03-17.

Conditions:
Charcot-Marie-Tooth disease recessive intermediate C. Also called: CHARCOT-MARIE-TOOTH NEUROPATHY, RECESSIVE INTERMEDIATE C. Identifiers: Orphanet 369867, MedGen C3809309, MONDO:0014154, OMIM 615376.
Neuronopathy, distal hereditary motor, autosomal recessive 4. Also called: Autosomal recessive lower motor neuron disease with childhood onset; NEUROPATHY, DISTAL HEREDITARY MOTOR, AUTOSOMAL RECESSIVE 4. Identifiers: Orphanet 206580, MedGen C1970211, MONDO:0012608, OMIM 611067.
Inborn genetic diseases. Identifiers: MedGen C0950123, MeSH D030342.

Allele frequency attached by ClinVar (database versions not stated): gnomAD 0.00001; gnomAD exomes 0.00001 and 0.00002; ExAC 0.00005.
gnomAD v4.1: 12 of 1,552,938 alleles (0.00077%); highest among the groups gnomAD compares: Non-Finnish European, 0.00096%; no homozygotes.

Submissions (2):

Labcorp Genetics (formerly Invitae), Labcorp
Classification: Uncertain significance for Neuronopathy, distal hereditary motor, autosomal recessive 4; Charcot-Marie-Tooth disease recessive intermediate C. Last evaluated: 2022-03-17. Review status: criteria provided, single submitter. Criteria: Invitae Variant Classification Sherloc (09022015). Collection method: clinical testing. Allele origin: germline.
Comment: This sequence change replaces alanine, which is neutral and non-polar, with valine, which is neutral and non-polar, at codon 946 of the PLEKHG5 protein (p.Ala946Val). This variant is present in population databases (rs751158651, gnomAD 0.005%). This variant has not been reported in the literature in individuals affected with PLEKHG5-related conditions. ClinVar contains an entry for this variant (Variation ID: 468912). Algorithms developed to predict the effect of missense changes on protein structure and function output the following: SIFT: "Tolerated"; PolyPhen-2: "Benign"; Align-GVGD: "Class C0". The valine amino acid residue is found in multiple mammalian species, which suggests that this missense change does not adversely affect protein function. In summary, the available evidence is currently insufficient to determine the role of this variant in disease. Therefore, it has been classified as a Variant of Uncertain Significance.

Ambry Genetics
Classification: Uncertain significance for Inborn genetic diseases. Last evaluated: 2020-09-01. Review status: criteria provided, single submitter. Criteria: Ambry Variant Classification Scheme 2023. Collection method: clinical testing. Allele origin: germline.
Comment: The p.A946V variant (also known as c.2837C>T), located in coding exon 19 of the PLEKHG5 gene, results from a C to T substitution at nucleotide position 2837. The alanine at codon 946 is replaced by valine, an amino acid with similar properties. This amino acid position is poorly conserved in available vertebrate species. In addition, this alteration is predicted to be tolerated by in silico analysis. Since supporting evidence is limited at this time, the clinical significance of this alteration remains unclear.

NM_020631.6(PLEKHG5):c.2837C>T (p.Ala946Val)

Gene: PLEKHG5 (pleckstrin homology and RhoGEF domain containing G5; minus strand). Cytogenetic location: 1p36.31.
Variant type: single nucleotide variant.
Coding change: c.2837C>T on transcript NM_020631.6 (MANE Select); coding-DNA position 2837, C replaced by T.
Protein change: p.Ala946Val; replaces alanine 946 with valine.
Molecular consequence: missense variant. On other transcripts: intron variant (1).
Genome position (GRCh38, 1-based): chr1:6,467,999, G>A on the plus strand (C>T on the coding strand, the complement: PLEKHG5 is on the minus strand). VCF-style: chr1-6467999-G-A. GRCh37 (hg19) VCF-style: chr1-6528059-G-A.
Other names: c.2948C>T, p.Ala983Val (NM_001042663.3, NM_001265592.2); c.2837C>T, p.Ala946Val (NM_001042664.2, NM_001042665.2, NM_198681.4); c.3044C>T, p.Ala1015Val (NM_001265593.2); c.2737+100C>T (NM_001265594.3); short protein forms A946V, A1015V, A983V.
Identifiers: ClinVar variation 468912 (VCV000468912.10), dbSNP rs751158651, ClinGen allele CA561085.